The following is an entry in ClinVar:

NM_000059.4(BRCA2):c.9674A>G (p.Tyr3225Cys)

Gene: BRCA2 (BRCA2 DNA repair associated; plus strand). Cytogenetic location: 13q13.1.
Variant type: single nucleotide variant.
Coding change: c.9674A>G on transcript NM_000059.4 (MANE Select); coding-DNA position 9674, A replaced by G.
Protein change: p.Tyr3225Cys; replaces tyrosine 3225 with cysteine.
Molecular consequence: missense variant.
Genome position (GRCh38, 1-based): chr13:32,398,187, A>G. VCF-style: chr13-32398187-A-G. GRCh37 (hg19) VCF-style: chr13-32972324-A-G.
Other names: short protein forms Y3225C.
Identifiers: ClinVar variation 1507982 (VCV001507982.8), dbSNP rs2137662742, ClinGen allele CA387765204.

ClinVar aggregate classification (germline): Uncertain significance (1 of 4 stars; one submission).

Conditions:
Hereditary breast ovarian cancer syndrome. Also called: BRCA1- and BRCA2-Associated Hereditary Breast and Ovarian Cancer; Hereditary breast and ovarian cancer; Hereditary breast and/or ovarian cancer syndrome; Hereditary breast and ovarian cancer syndrome (HBOC); Breast and ovarian cancer; Hereditary breast and ovarian cancer syndrome. Identifiers: Orphanet 145, MedGen C0677776, MeSH D061325, MONDO:0003582. Disease mechanism: loss of function.

Submission:

Labcorp Genetics (formerly Invitae), Labcorp
Classification: Uncertain significance for Hereditary breast ovarian cancer syndrome. Last evaluated: 2021-06-14. Review status: criteria provided, single submitter. Criteria: Invitae Variant Classification Sherloc (09022015). Collection method: clinical testing. Allele origin: germline.
Comment: This sequence change replaces tyrosine with cysteine at codon 3225 of the BRCA2 protein (p.Tyr3225Cys). The tyrosine residue is weakly conserved and there is a large physicochemical difference between tyrosine and cysteine. This variant is not present in population databases (ExAC no frequency). This variant has not been reported in the literature in individuals with BRCA2-related conditions. Advanced modeling of protein sequence and biophysical properties (such as structural, functional, and spatial information, amino acid conservation, physicochemical variation, residue mobility, and thermodynamic stability) performed at Invitae indicates that this missense variant is not expected to disrupt BRCA2 protein function. In summary, the available evidence is currently insufficient to determine the role of this variant in disease. Therefore, it has been classified as a Variant of Uncertain Significance.